The following is an entry in ClinVar:

ClinVar aggregate classification (germline): Conflicting classifications of pathogenicity. Review status: criteria provided, conflicting classifications (1 of 4 stars). 2 submissions from 2 submitters: Uncertain significance (1); Benign (1). Last evaluated 2025-02-25.

Conditions:
Hereditary cancer-predisposing syndrome. Also called: Neoplastic Syndromes, Hereditary; Tumor predisposition; Hereditary Cancer Syndrome; Hereditary neoplastic syndrome. Identifiers: Orphanet 140162, MedGen C0027672, MeSH D009386, MONDO:0015356.
Tuberous sclerosis 2 (TSC2). Identifiers: Orphanet 805, MedGen C1860707, MONDO:0013199, OMIM 613254.

Allele frequency attached by ClinVar (database versions not stated): gnomAD exomes below 0.00001.
gnomAD v4.1: 2 of 1,605,532 alleles (0.00012%); highest among the groups gnomAD compares: South Asian, 0.0011%; no homozygotes.

Submissions (2):

Ambry Genetics
Classification: Uncertain significance for Hereditary cancer-predisposing syndrome. Last evaluated: 2025-02-25. Review status: criteria provided, single submitter. Criteria: Ambry Variant Classification Scheme 2023. Collection method: clinical testing. Allele origin: germline.
Comment: The p.S655F variant (also known as c.1964C>T), located in coding exon 18 of the TSC2 gene, results from a C to T substitution at nucleotide position 1964. The serine at codon 655 is replaced by phenylalanine, an amino acid with highly dissimilar properties. This amino acid position is not well conserved in available vertebrate species. In addition, the in silico prediction for this alteration is inconclusive. Based on the available evidence, the clinical significance of this variant remains unclear.

Labcorp Genetics (formerly Invitae), Labcorp
Classification: Benign for Tuberous sclerosis 2. Last evaluated: 2025-02-06. Review status: criteria provided, single submitter. Criteria: Invitae Variant Classification Sherloc (09022015). Collection method: clinical testing. Allele origin: germline.

NM_000548.5(TSC2):c.1964C>T (p.Ser655Phe)

Gene: TSC2 (TSC complex subunit 2; plus strand). Cytogenetic location: 16p13.3.
Variant type: single nucleotide variant.
Coding change: c.1964C>T on transcript NM_000548.5 (MANE Select); coding-DNA position 1964, C replaced by T.
Protein change: p.Ser655Phe; replaces serine 655 with phenylalanine.
Molecular consequence: missense variant.
Genome position (GRCh38, 1-based): chr16:2,071,801, C>T. VCF-style: chr16-2071801-C-T. GRCh37 (hg19) VCF-style: chr16-2121802-C-T.
Other names: c.1964C>T, p.Ser655Phe (NM_001077183.3, NM_001114382.3, NM_001363528.2 and 3 more transcripts); c.1853C>T, p.Ser618Phe (NM_001318827.2); c.1817C>T, p.Ser606Phe (NM_001318829.2); c.1364C>T, p.Ser455Phe (NM_001318831.2); c.1997C>T, p.Ser666Phe (NM_001318832.2); short protein forms S655F, S606F, S618F, S666F, S455F.
Identifiers: ClinVar variation 536000 (VCV000536000.10), dbSNP rs1442388532, ClinGen allele CA394273620.